The following is an entry in ClinVar:

NM_022124.6(CDH23):c.9199-2A>C

Gene: CDH23 (cadherin related 23; plus strand). Cytogenetic location: 10q22.1.
Variant type: single nucleotide variant.
Coding change: c.9199-2A>C on transcript NM_022124.6 (MANE Select); the canonical splice acceptor site of the intron before coding-DNA position 9199, A replaced by C.
Molecular consequence: splice acceptor variant.
Genome position (GRCh38, 1-based): chr10:71,811,509, A>C. VCF-style: chr10-71811509-A-C. GRCh37 (hg19) VCF-style: chr10-73571266-A-C.
Other names: c.2479-2A>C (NM_001171933.1, NM_001171934.1).
Identifiers: ClinVar variation 4733370 (VCV004733370.1).

ClinVar aggregate classification (germline): Likely pathogenic (1 of 4 stars; one submission).

Submission:

Labcorp Genetics (formerly Invitae), Labcorp
Classification: Likely pathogenic. Last evaluated: 2025-12-16. Review status: criteria provided, single submitter. Criteria: Invitae Variant Classification Sherloc (09022015). Collection method: clinical testing. Allele origin: germline.
Comment: This sequence change affects an acceptor splice site in intron 63 of the CDH23 gene. It is expected to disrupt RNA splicing. Variants that disrupt the donor or acceptor splice site typically lead to a loss of protein function (PMID: 16199547), and loss-of-function variants in CDH23 are known to be pathogenic (PMID: 11138009, 21940737). This variant is not present in population databases (gnomAD no frequency). This variant has not been reported in the literature in individuals affected with CDH23-related conditions. Algorithms developed to predict the effect of sequence changes on RNA splicing suggest that this variant may disrupt the consensus splice site. In summary, the currently available evidence indicates that the variant is pathogenic, but additional data are needed to prove that conclusively. Therefore, this variant has been classified as Likely Pathogenic.

Literature cited by the submitters: PubMed 16199547; PubMed 11138009; PubMed 21940737.